The following is an entry in ClinVar:

NM_000051.4(ATM):c.6271T>C (p.Trp2091Arg)

Genes: ATM (ATM serine/threonine kinase; plus strand), C11orf65 (chromosome 11 open reading frame 65; minus strand). Cytogenetic location: 11q22.3.
Variant type: single nucleotide variant.
Coding change: c.6271T>C on transcript NM_000051.4 (MANE Select); coding-DNA position 6271, T replaced by C.
Protein change: p.Trp2091Arg; replaces tryptophan 2091 with arginine.
Molecular consequence: missense variant. On other transcripts: intron variant (2).
Genome position (GRCh38, 1-based): chr11:108,317,445, T>C. VCF-style: chr11-108317445-T-C. GRCh37 (hg19) VCF-style: chr11-108188172-T-C.
Other names: c.6271T>C, p.Trp2091Arg (NM_001351834.2); c.641-8374A>G (NM_001330368.2); c.*39-8374A>G (NM_001351110.2); short protein forms W2091R.
Identifiers: ClinVar variation 1016225 (VCV001016225.45), dbSNP rs2084784301, ClinGen allele CA382551950.

ClinVar aggregate classification (germline): Uncertain significance (1 of 4 stars; one submission).

Conditions:
Ataxia-telangiectasia syndrome (AT). Also called: Ataxia telangiectasia (A-T); ATAXIA-TELANGIECTASIA, COMPLEMENTATION GROUP A; ATAXIA-TELANGIECTASIA, FRESNO VARIANT; Ataxia-telangiectasia; Ataxia-telangiectasia, complementation group E; LOUIS-BAR SYNDROME. Identifiers: Orphanet 100, MedGen C0004135, MONDO:0008840, OMIM 208900.

Allele frequency attached by ClinVar (database versions not stated): gnomAD exomes below 0.00001.
gnomAD v4.1: 1 of 1,612,698 alleles (0.000062%); highest among the groups gnomAD compares: Non-Finnish European, 0.000085%; no homozygotes.

Submission:

Labcorp Genetics (formerly Invitae), Labcorp
Classification: Uncertain significance for Ataxia-telangiectasia syndrome. Last evaluated: 2021-09-21. Review status: criteria provided, single submitter. Criteria: Invitae Variant Classification Sherloc (09022015). Collection method: clinical testing. Allele origin: germline.
Comment: In summary, the available evidence is currently insufficient to determine the role of this variant in disease. Therefore, it has been classified as a Variant of Uncertain Significance. Algorithms developed to predict the effect of missense changes on protein structure and function output the following: SIFT: "Tolerated"; PolyPhen-2: "Benign"; Align-GVGD: "Class C0". The arginine amino acid residue is found in multiple mammalian species, which suggests that this missense change does not adversely affect protein function. This variant has not been reported in the literature in individuals affected with ATM-related conditions. This variant is not present in population databases (ExAC no frequency). This sequence change replaces tryptophan with arginine at codon 2091 of the ATM protein (p.Trp2091Arg). The tryptophan residue is moderately conserved and there is a moderate physicochemical difference between tryptophan and arginine.